The following is an entry in ClinVar:

ClinVar aggregate classification (germline): Likely pathogenic (1 of 4 stars; one submission).

Conditions:
Carnitine acylcarnitine translocase deficiency (CACTD). Identifiers: Orphanet 159, MedGen C0342791, MONDO:0008918, OMIM 212138.

Submission:

Labcorp Genetics (formerly Invitae), Labcorp
Classification: Likely pathogenic for Carnitine acylcarnitine translocase deficiency. Last evaluated: 2023-02-28. Review status: criteria provided, single submitter. Criteria: Invitae Variant Classification Sherloc (09022015). Collection method: clinical testing. Allele origin: unknown.
Comment: This variant results in a copy number gain of the genomic region encompassing exon(s) 6-8 of the SLC25A20 gene. While the exact position of this variant cannot be determined from the data, sub-genic copy number gains are generally in tandem (PMID: 25640679). This variant is predicted to be out-of-frame, and may result in an absent or disrupted protein product. Loss-of-function variants in SLC25A20 are known to be pathogenic (PMID: 25614308). In summary, the currently available evidence indicates that the variant is pathogenic, but additional data are needed to prove that conclusively. Therefore, this variant has been classified as Likely Pathogenic. This variant has not been reported in the literature in individuals affected with SLC25A20-related conditions.

Literature cited by the submitters: PubMed 25640679; PubMed 25614308.

NC_000003.11:g.(?_48895920)_(48897080_?)dup

Gene: SLC25A20 (solute carrier family 25 member 20; minus strand). Cytogenetic location: 3p21.31.
Variant type: Duplication.
Identifiers: ClinVar variation 3246867 (VCV003246867.1).